The following is an entry in ClinVar:

ClinVar aggregate classification (germline): Conflicting classifications of pathogenicity. Review status: criteria provided, conflicting classifications (1 of 4 stars). 8 submissions from 8 submitters: Uncertain significance (3); Likely benign (4). 1 of the submissions does not count toward it. Last evaluated 2026-02-03.

Conditions:
PNKP-related disorder. Also called: PNKP-related disorders; PNKP-related condition.
Inborn genetic diseases. Identifiers: MedGen C0950123, MeSH D030342.
Developmental and epileptic encephalopathy, 12 (DEE12). Identifiers: MedGen C3150988, MONDO:0013389, OMIM 613722.
Microcephaly, seizures, and developmental delay. Identifiers: Orphanet 1934, MedGen C3150667, MONDO:0013254, OMIM 613402.

Allele frequency attached by ClinVar (database versions not stated): ESP Exome Variant Server 0.00077; gnomAD 0.00104 and 0.00112; TOPMed 0.00115; 1000 Genomes Project 0.00140; 1000 Genomes Project 30x 0.00141.
gnomAD v4.1: 307 of 1,613,894 alleles (0.019%); highest among the groups gnomAD compares: African/African-American, 0.36%; 2 homozygotes.

Submissions (9):

Labcorp Genetics (formerly Invitae), Labcorp
Classification: Likely benign for Developmental and epileptic encephalopathy, 12. Last evaluated: 2026-02-03. Review status: criteria provided, single submitter. Criteria: Invitae Variant Classification Sherloc (09022015). Collection method: clinical testing. Allele origin: germline.

Women's Health and Genetics/Laboratory Corporation of America, LabCorp
Classification: Uncertain significance. Last evaluated: 2023-10-19. Review status: criteria provided, single submitter. Criteria: LabCorp Variant Classification Summary - May 2015. Collection method: clinical testing. Allele origin: germline.
Comment: Variant summary: PNKP c.650C>G (p.Thr217Ser) results in a conservative amino acid change located in the HAD-superfamily hydrolase,subfamily IIIA (IPR006549) of the encoded protein sequence. Three of five in-silico tools predict a benign effect of the variant on protein function. The variant allele was found at a frequency of 0.00028 in 250814 control chromosomes, predominantly at a frequency of 0.0036 within the African or African-American subpopulation in the gnomAD database. To our knowledge, no occurrence of c.650C>G in individuals affected with PNKP-Related Disorders and no experimental evidence demonstrating its impact on protein function have been reported. Six submitters have cited clinical-significance assessments for this variant to ClinVar after 2014, and classified it as uncertain significance (n=2) or likely benign (n=4). Based on the evidence outlined above, the variant was classified as uncertain significance.

Revvity Omics, Revvity
Classification: Uncertain significance. Last evaluated: 2022-04-01. Review status: criteria provided, single submitter. Criteria: ACMG Guidelines, 2015. Collection method: clinical testing. Allele origin: germline.

Ambry Genetics
Classification: Likely benign for Inborn genetic diseases. Last evaluated: 2021-05-28. Review status: criteria provided, single submitter. Criteria: Ambry Variant Classification Scheme 2023. Collection method: clinical testing. Allele origin: germline.

GeneDx
Classification: Likely benign. Last evaluated: 2020-10-20. Review status: criteria provided, single submitter. Criteria: GeneDx Variant Classification Process June 2021. Collection method: clinical testing. Allele origin: germline. Affected: yes.
Comment: In silico analysis, which includes protein predictors and evolutionary conservation, supports a deleterious effect; Has not been previously published as pathogenic or benign to our knowledge

Illumina Laboratory Services, Illumina
Classification: Likely benign for Microcephaly, seizures, and developmental delay. Last evaluated: 2018-01-13. Review status: criteria provided, single submitter. Criteria: ICSL Variant Classification Criteria 13 December 2019. Collection method: clinical testing. Allele origin: germline.
Comment: This variant was observed in the ICSL laboratory as part of a predisposition screen in an ostensibly healthy population. It had not been previously curated by ICSL or reported in the Human Gene Mutation Database (HGMD: prior to June 1st, 2018), and was therefore a candidate for classification through an automated scoring system. Utilizing variant allele frequency, disease prevalence and penetrance estimates, and inheritance mode, an automated score was calculated to assess if this variant is too frequent to cause the disease. Based on the score and internal cut-off values, a variant classified as likely benign is not then subjected to further curation. The score for this variant resulted in a classification of likely benign for this disease.

Eurofins Ntd Llc (ga)
Classification: Uncertain significance. Last evaluated: 2016-05-10. Review status: criteria provided, single submitter. Criteria: EGL Classification Definitions 2015. Collection method: clinical testing. Allele origin: germline. Observed: 3 variant alleles, 3 heterozygotes.

PreventionGenetics, part of Exact Sciences
Classification: Likely benign for PNKP-related condition. Last evaluated: 2024-03-21. Review status: no assertion criteria provided. Collection method: clinical testing. Allele origin: germline. Not counted in ClinVar's aggregate classification.
Comment: This variant is classified as likely benign based on ACMG/AMP sequence variant interpretation guidelines (Richards et al. 2015 PMID: 25741868, with internal and published modifications).

Dr. Peter K. Rogan Lab, Western University
No classification provided (evidence only). Condition: Uterine corpus endometrial carcinoma. Review status: no classification provided. Collection method: in vitro. Allele origin: not applicable. Functional consequence: retained intron. Not counted in ClinVar's aggregate classification.

NM_007254.4(PNKP):c.650C>G (p.Thr217Ser)

Gene: PNKP (polynucleotide kinase 3'-phosphatase; minus strand). Cytogenetic location: 19q13.33.
Variant type: single nucleotide variant.
Coding change: c.650C>G on transcript NM_007254.4 (MANE Select); coding-DNA position 650, C replaced by G.
Protein change: p.Thr217Ser; replaces threonine 217 with serine.
Molecular consequence: missense variant.
Genome position (GRCh38, 1-based): chr19:49,864,058, G>C on the plus strand (C>G on the coding strand, the complement: PNKP is on the minus strand). VCF-style: chr19-49864058-G-C. GRCh37 (hg19) VCF-style: chr19-50367315-G-C.
Other names: p.T217S:ACC>AGC; short protein forms T217S.
Identifiers: ClinVar variation 198549 (VCV000198549.31), dbSNP rs115259839, ClinGen allele CA247260.